The following is an entry in ClinVar:

NM_005236.3(ERCC4):c.1840A>G (p.Thr614Ala)

Gene: ERCC4 (ERCC excision repair 4, endonuclease catalytic subunit; plus strand). Cytogenetic location: 16p13.12.
Variant type: single nucleotide variant.
Coding change: c.1840A>G on transcript NM_005236.3 (MANE Select); coding-DNA position 1840, A replaced by G.
Protein change: p.Thr614Ala; replaces threonine 614 with alanine.
Molecular consequence: missense variant.
Genome position (GRCh38, 1-based): chr16:13,937,794, A>G. VCF-style: chr16-13937794-A-G. GRCh37 (hg19) VCF-style: chr16-14031651-A-G.
Other names: short protein forms T614A.
Identifiers: ClinVar variation 2932989 (VCV002932989.4), dbSNP rs771383745, ClinGen allele CA7910568.

ClinVar aggregate classification (germline): Uncertain significance. Review status: criteria provided, multiple submitters, no conflicts (2 of 4 stars). 2 submissions from 2 submitters: Uncertain significance (2). Last evaluated 2024-07-22.

Conditions:
Cockayne syndrome. Identifiers: Orphanet 191, MedGen C0009207, MONDO:0016006.
Xeroderma pigmentosum, group F (XPF). Also called: XERODERMA PIGMENTOSUM, TYPE F; Xeroderma pigmentosum, type 6; ERCC4-Related Xeroderma Pigmentosum; XERODERMA PIGMENTOSUM, COMPLEMENTATION GROUP F; XERODERMA PIGMENTOSUM VI; XP, GROUP F. Identifiers: MedGen C0268140, MONDO:0010215, OMIM 278760.
Fanconi anemia complementation group Q. Identifiers: Orphanet 84, MedGen C3808988, MONDO:0014108, OMIM 615272.

Allele frequency attached by ClinVar (database versions not stated): ExAC 0.00001; gnomAD 0.00001; TOPMed 0.00001.
gnomAD v4.1: 6 of 1,613,388 alleles (0.00037%); highest among the groups gnomAD compares: Admixed American, 0.0017%; no homozygotes.

Submissions (2):

Blueprint Genetics
Classification: Uncertain significance. Last evaluated: 2024-07-22. Review status: criteria provided, single submitter. Criteria: ACMG Guidelines, 2015. Collection method: clinical testing. Allele origin: germline.

Labcorp Genetics (formerly Invitae), Labcorp
Classification: Uncertain significance for Fanconi anemia complementation group Q; Xeroderma pigmentosum, group F; Cockayne syndrome. Last evaluated: 2023-06-01. Review status: criteria provided, single submitter. Criteria: Invitae Variant Classification Sherloc (09022015). Collection method: clinical testing. Allele origin: germline.
Comment: This variant is present in population databases (rs771383745, gnomAD 0.007%). In summary, the available evidence is currently insufficient to determine the role of this variant in disease. Therefore, it has been classified as a Variant of Uncertain Significance. Advanced modeling of protein sequence and biophysical properties (such as structural, functional, and spatial information, amino acid conservation, physicochemical variation, residue mobility, and thermodynamic stability) performed at Invitae indicates that this missense variant is not expected to disrupt ERCC4 protein function. This variant has not been reported in the literature in individuals affected with ERCC4-related conditions. This sequence change replaces threonine, which is neutral and polar, with alanine, which is neutral and non-polar, at codon 614 of the ERCC4 protein (p.Thr614Ala).